The following is an entry in ClinVar:

NM_001135649.3(FOXI3):c.707G>A (p.Arg236Gln)

Gene: FOXI3 (forkhead box I3; minus strand). Cytogenetic location: 2p11.2.
Variant type: single nucleotide variant.
Coding change: c.707G>A on transcript NM_001135649.3 (MANE Select); coding-DNA position 707, G replaced by A.
Protein change: p.Arg236Gln; replaces arginine 236 with glutamine.
Molecular consequence: missense variant.
Genome position (GRCh38, 1-based): chr2:88,448,763, C>T on the plus strand (G>A on the coding strand, the complement: FOXI3 is on the minus strand). VCF-style: chr2-88448763-C-T. GRCh37 (hg19) VCF-style: chr2-88748282-C-T.
Other names: short protein forms R236Q.
Identifiers: ClinVar variation 2431342 (VCV002431342.5), dbSNP rs182321240, ClinGen allele CA1753999.

ClinVar aggregate classification (germline): Uncertain significance. Review status: criteria provided, multiple submitters, no conflicts (2 of 4 stars). 3 submissions from 3 submitters: Uncertain significance (2). 1 of the submissions does not count toward it. Last evaluated 2025-09-16.

Conditions:
Craniofacial microsomia 2 (CFM2). Identifiers: MedGen C5781610, MONDO:0958194, OMIM 620444.
Craniofacial microsomia 1 (CFM1). Also called: Hemifacial microsomia. Identifiers: Orphanet 374, MedGen C3495417, MONDO:0958175, OMIM 164210.

Allele frequency attached by ClinVar (database versions not stated): gnomAD 0.00001; gnomAD exomes 0.00001; TOPMed 0.00002; ExAC 0.00005; 1000 Genomes Project 30x 0.00016; 1000 Genomes Project 0.00020.
gnomAD v4.1: 20 of 1,551,802 alleles (0.0013%); highest among the groups gnomAD compares: East Asian, 0.0024%; no homozygotes.

Submissions (3):

Labcorp Genetics (formerly Invitae), Labcorp
Classification: Uncertain significance. Last evaluated: 2025-09-16. Review status: criteria provided, single submitter. Criteria: Invitae Variant Classification Sherloc (09022015). Collection method: clinical testing. Allele origin: germline.
Comment: This sequence change replaces arginine, which is basic and polar, with glutamine, which is neutral and polar, at codon 236 of the FOXI3 protein (p.Arg236Gln). The frequency data for this variant in the population databases is considered unreliable, as metrics indicate poor data quality at this position in the gnomAD database. This missense change has been observed in individual(s) with craniofacial microsomia (PMID: 37041148). ClinVar contains an entry for this variant (Variation ID: 2431342). Algorithms developed to predict the effect of variants on gene product structure and function are not available or were not evaluated for this variant. Experimental studies have shown that this missense change affects FOXI3 function (PMID: 37041148). This variant disrupts the p.Arg236 amino acid residue in FOXI3. Other variant(s) that disrupt this residue have been determined to be pathogenic (PMID: 37041148). This suggests that this residue is clinically significant, and that variants that disrupt this residue are likely to be disease-causing. In summary, the available evidence is currently insufficient to determine the role of this variant in disease. Therefore, it has been classified as a Variant of Uncertain Significance.

Juno Genomics, Hangzhou Juno Genomics, Inc
Classification: Uncertain significance for Craniofacial microsomia 2. Review status: criteria provided, single submitter. Criteria: ACMG Guidelines, 2015. Collection method: clinical testing. Allele origin: germline.
Comment: Absent from controls (or at extremely low frequency if recessive) in Genome Aggregation Database.;Novel missense change at an amino acid residue where a different missense change determined to be pathogenic has been seen before.;Well-established in vitro or in vivo functional studies supportive of a damaging effect on the gene or gene product.

ZhangYB Lab, Beihang University
Classification: Likely pathogenic for Craniofacial microsomia 1. Last evaluated: 2022-03-06. Review status: no assertion criteria provided. Collection method: research. Allele origin: germline, not applicable. Inheritance: Sporadic. Affected: yes. Not counted in ClinVar's aggregate classification.

Literature cited by the submitters: PubMed 37041148 (cited by Labcorp Genetics (formerly Invitae), Labcorp).